The following is an entry in ClinVar:

ClinVar aggregate classification (germline): Uncertain significance (1 of 4 stars; one submission).

Submission:

GeneDx
Classification: Uncertain significance. Last evaluated: 2026-02-18. Review status: criteria provided, single submitter. Criteria: GeneDx Variant Classification Process June 2021. Collection method: clinical testing. Allele origin: germline.
Comment: In silico analysis supports that this missense variant has a deleterious effect on protein structure/function; Not observed at significant frequency in large population cohorts (gnomAD); Has not been previously published as pathogenic or benign to our knowledge.

NM_183357.3(ADCY5):c.1202A>C (p.Glu401Ala)

Gene: ADCY5 (adenylate cyclase 5; minus strand). Cytogenetic location: 3q21.1.
Variant type: single nucleotide variant.
Coding change: c.1202A>C on transcript NM_183357.3 (MANE Select); coding-DNA position 1202, A replaced by C.
Protein change: p.Glu401Ala; replaces glutamic acid 401 with alanine.
Molecular consequence: missense variant.
Genome position (GRCh38, 1-based): chr3:123,352,514, T>G on the plus strand (A>C on the coding strand, the complement: ADCY5 is on the minus strand). VCF-style: chr3-123352514-T-G. GRCh37 (hg19) VCF-style: chr3-123071361-T-G.
Other names: c.152A>C, p.Glu51Ala (NM_001199642.1); c.1202A>C, p.Glu401Ala (NM_001378259.1); short protein forms E401A, E51A.
Identifiers: ClinVar variation 5009681 (VCV005009681.1).
Genomic context (GRCh38, chr3:123,352,514, plus strand): 5'-GAGTGGAGCCGCGCCTGGATGCACTCTCGGGTCTCCTGGAAAGCCTGTCTCTGGGAGACC[T>G]CAGCCGGATAGTGGGTGCAGACACCCACGATGTTGGTGCAGGAGAAAATGAGAACATTGG-3'
Protein context (NP_899200.1, residues 391-411): IVGVCTHYPA[Glu401Ala]VSQRQAFQET